The following is an entry in ClinVar:

ClinVar aggregate classification (germline): Benign. Review status: criteria provided, multiple submitters, no conflicts (2 of 4 stars). 3 submissions from 3 submitters: Benign (3). Last evaluated 2018-01-13.

Conditions:
Diamond-Blackfan anemia 10 (DBA10). Also called: RPS26-Related Diamond-Blackfan Anemia. Identifiers: Orphanet 124, MedGen C2750080, MONDO:0013217, OMIM 613309.

Allele frequency attached by ClinVar (database versions not stated): ESP Exome Variant Server 0.07389; 1000 Genomes Project 0.04772; 1000 Genomes Project 30x 0.04903; TOPMed 0.06642.
gnomAD v4.1: 124,213 of 1,613,226 alleles (7.7%); highest among the groups gnomAD compares: Non-Finnish European, 8.3%; 5,170 homozygotes.

Submissions (3):

Illumina Laboratory Services, Illumina
Classification: Benign for Diamond-Blackfan anemia 10. Last evaluated: 2018-01-13. Review status: criteria provided, single submitter. Criteria: ICSL Variant Classification Criteria 13 December 2019. Collection method: clinical testing. Allele origin: germline.
Comment: This variant was observed in the ICSL laboratory as part of a predisposition screen in an ostensibly healthy population. It had not been previously curated by ICSL or reported in the Human Gene Mutation Database (HGMD: prior to June 1st, 2018), and was therefore a candidate for classification through an automated scoring system. Utilizing variant allele frequency, disease prevalence and penetrance estimates, and inheritance mode, an automated score was calculated to assess if this variant is too frequent to cause the disease. Based on the score and internal cut-off values, a variant classified as benign is not then subjected to further curation. The score for this variant resulted in a classification of benign for this disease.

GeneDx
Classification: Benign. Last evaluated: 2017-04-24. Review status: criteria provided, single submitter. Criteria: GeneDx Variant Classification (06012015). Collection method: clinical testing. Allele origin: germline. Affected: yes.
Comment: This variant is considered likely benign or benign based on one or more of the following criteria: it is a conservative change, it occurs at a poorly conserved position in the protein, it is predicted to be benign by multiple in silico algorithms, and/or has population frequency not consistent with disease.

Breakthrough Genomics
Classification: Benign. Review status: criteria provided, single submitter. Criteria: ACMG Guidelines, 2015. Collection method: not provided. Allele origin: germline. Inheritance: Autosomal dominant inheritance. Affected: yes.

NM_001029.5(RPS26):c.-31C>G

Gene: RPS26 (ribosomal protein S26; plus strand). Cytogenetic location: 12q13.2.
Variant type: single nucleotide variant.
Coding change: c.-31C>G on transcript NM_001029.5 (MANE Select); 31 bases upstream of the start codon, C replaced by G.
Molecular consequence: 5 prime UTR variant.
Genome position (GRCh38, 1-based): chr12:56,042,136, C>G. VCF-style: chr12-56042136-C-G. GRCh37 (hg19) VCF-style: chr12-56435920-C-G.
Other names: c.-31C>G (LRG_1146t1).
Identifiers: ClinVar variation 309855 (VCV000309855.6), dbSNP rs17118262, ClinGen allele CA6621622.
Genomic context (GRCh38, chr12:56,042,136, plus strand): 5'-AAGGATTCTCCCGGTGTCCGCGTAGGGATCTCATGCTATATAGGAGGGCCCTGCCAGGCA[C>G]CGTCTCCTCTCTCCGGTCCGTGCCTCCAAGATGGTGAGTCTTCTTGCGTGGTGAGGGTGG-3'